The following is an entry in ClinVar:

ClinVar aggregate classification (germline): Conflicting classifications of pathogenicity. Review status: criteria provided, conflicting classifications (1 of 4 stars). 3 submissions from 3 submitters: Uncertain significance (1); Likely benign (2). Last evaluated 2025-12-05.

Conditions:
Inborn genetic diseases. Identifiers: MedGen C0950123, MeSH D030342.

Allele frequency attached by ClinVar (database versions not stated): gnomAD 0.00004; TOPMed 0.00017.
gnomAD v4.1: 103 of 1,547,636 alleles (0.0067%); highest among the groups gnomAD compares: Admixed American, 0.17%; no homozygotes.

Submissions (3):

Labcorp Genetics (formerly Invitae), Labcorp
Classification: Likely benign. Last evaluated: 2025-12-05. Review status: criteria provided, single submitter. Criteria: Invitae Variant Classification Sherloc (09022015). Collection method: clinical testing. Allele origin: germline.

GeneDx
Classification: Uncertain significance. Last evaluated: 2023-05-31. Review status: criteria provided, single submitter. Criteria: GeneDx Variant Classification Process June 2021. Collection method: clinical testing. Allele origin: germline. Affected: yes.
Comment: In silico analysis supports that this missense variant has a deleterious effect on protein structure/function; Has not been previously published as pathogenic or benign to our knowledge

Ambry Genetics
Classification: Likely benign for Inborn genetic diseases. Last evaluated: 2023-02-08. Review status: criteria provided, single submitter. Criteria: Ambry Variant Classification Scheme 2023. Collection method: clinical testing. Allele origin: germline.

NM_001160372.4(TRAPPC9):c.2704C>T (p.Arg902Trp)

Gene: TRAPPC9 (trafficking protein particle complex subunit 9; minus strand). Cytogenetic location: 8q24.3.
Variant type: single nucleotide variant.
Coding change: c.2704C>T on transcript NM_001160372.4 (MANE Select); coding-DNA position 2704, C replaced by T.
Protein change: p.Arg902Trp; replaces arginine 902 with tryptophan.
Molecular consequence: missense variant. On other transcripts: non-coding transcript variant (1), intron variant (1).
Genome position (GRCh38, 1-based): chr8:139,988,832, G>A on the plus strand (C>T on the coding strand, the complement: TRAPPC9 is on the minus strand). VCF-style: chr8-139988832-G-A. GRCh37 (hg19) VCF-style: chr8-140999040-G-A.
Other names: c.2677C>T, p.Arg893Trp (NM_001321646.2); c.2725C>T, p.Arg909Trp (NM_001374682.1); c.2560C>T, p.Arg854Trp (NM_001374684.1); c.2704C>T, p.Arg902Trp (NM_031466.8); c.2699+35105C>T (NM_001374683.1); short protein forms R854W, R893W, R902W, R909W.
Identifiers: ClinVar variation 1537614 (VCV001537614.10), dbSNP rs370626310, ClinGen allele CA187232729.